The following is an entry in ClinVar:

ClinVar aggregate classification (germline): Uncertain significance (1 of 4 stars; one submission).

Submission:

Labcorp Genetics (formerly Invitae), Labcorp
Classification: Uncertain significance. Last evaluated: 2024-02-24. Review status: criteria provided, single submitter. Criteria: Invitae Variant Classification Sherloc (09022015). Collection method: clinical testing. Allele origin: germline.
Comment: This variant, c.4018_4020del, results in the deletion of 1 amino acid(s) of the ATRN protein (p.Glu1340del), but otherwise preserves the integrity of the reading frame. This variant is not present in population databases (gnomAD no frequency). This variant has not been reported in the literature in individuals affected with ATRN-related conditions. Experimental studies and prediction algorithms are not available or were not evaluated, and the functional significance of this variant is currently unknown. In summary, the available evidence is currently insufficient to determine the role of this variant in disease. Therefore, it has been classified as a Variant of Uncertain Significance.

NM_139321.3(ATRN):c.4015GAG[1] (p.Glu1340del)

Gene: ATRN (attractin; plus strand). Cytogenetic location: 20p13.
Variant type: Microsatellite.
Coding change: c.4015GAG[1] on transcript NM_139321.3 (MANE Select); one copy of the 3-base unit GAG starting at c.4015; the reference has two copies in a row; one copy, 3 bases deleted.
Protein change: p.Glu1340del; deletes glutamic acid 1340.
Molecular consequence: inframe deletion.
Genome position (GRCh38, 1-based): chr20:3,638,903-3,638,905, GAG deleted; deleting any 3 consecutive bases within chr20:3,638,900-3,638,905 gives the same sequence; the position shown is the placement nearest the transcript's 3' end. VCF-style (leftmost placement, unchanged base first): chr20-3638899-TGAG-T. GRCh37 (hg19) VCF-style: chr20-3619546-TGAG-T.
Other names: short protein forms E1340del.
Identifiers: ClinVar variation 2099600 (VCV002099600.4), dbSNP rs2514666147, ClinGen allele CA2580614989.